The following is an entry in ClinVar:

NM_144585.4(SLC22A12):c.814T>C (p.Cys272Arg)

Gene: SLC22A12 (solute carrier family 22 member 12; plus strand). Cytogenetic location: 11q13.1.
Variant type: single nucleotide variant.
Coding change: c.814T>C on transcript NM_144585.4 (MANE Select); coding-DNA position 814, T replaced by C.
Protein change: p.Cys272Arg; replaces cysteine 272 with arginine.
Molecular consequence: missense variant. On other transcripts: intron variant (1).
Genome position (GRCh38, 1-based): chr11:64,593,787, T>C. VCF-style: chr11-64593787-T-C. GRCh37 (hg19) VCF-style: chr11-64361259-T-C.
Other names: c.712T>C, p.Cys238Arg (NM_001276326.2); c.151T>C, p.Cys51Arg (NM_153378.3); c.506+905T>C (NM_001276327.2); short protein forms C51R, C238R, C272R.
Identifiers: ClinVar variation 1977850 (VCV001977850.5), dbSNP rs2038999552, ClinGen allele CA381122104.
Genomic context (GRCh38, chr11:64,593,787, plus strand): 5'-GCCTACGGTGTGCGGGACTGGACACTGCTGCAGCTGGTGGTCTCGGTCCCCTTCTTCCTC[T>C]GCTTTTTGTACTCCTGGTGGGTGCTGTGCCCCACTCCCCTCCTCAGAGGAGATCCTGCCC-3'
Protein context (NP_653186.2, residues 262-282): QLVVSVPFFL[Cys272Arg]FLYSWWLAES

ClinVar aggregate classification (germline): Uncertain significance (1 of 4 stars; one submission).

Allele frequency attached by ClinVar (database versions not stated): gnomAD exomes below 0.00001.
gnomAD v4.1: 1 of 1,607,366 alleles (0.000062%); highest among the groups gnomAD compares: South Asian, 0.0011%; no homozygotes.

Submission:

Labcorp Genetics (formerly Invitae), Labcorp
Classification: Uncertain significance. Last evaluated: 2022-04-01. Review status: criteria provided, single submitter. Criteria: Invitae Variant Classification Sherloc (09022015). Collection method: clinical testing. Allele origin: germline.
Comment: This variant is not present in population databases (gnomAD no frequency). This sequence change replaces cysteine, which is neutral and slightly polar, with arginine, which is basic and polar, at codon 272 of the SLC22A12 protein (p.Cys272Arg). This variant has not been reported in the literature in individuals affected with SLC22A12-related conditions. In summary, the available evidence is currently insufficient to determine the role of this variant in disease. Therefore, it has been classified as a Variant of Uncertain Significance. Algorithms developed to predict the effect of missense changes on protein structure and function (SIFT, PolyPhen-2, Align-GVGD) all suggest that this variant is likely to be tolerated.